The following is an entry in ClinVar:

NM_003476.5(CSRP3):c.259C>T (p.His87Tyr)

Gene: CSRP3 (cysteine and glycine rich protein 3; minus strand). Cytogenetic location: 11p15.1.
Variant type: single nucleotide variant.
Coding change: c.259C>T on transcript NM_003476.5 (MANE Select); coding-DNA position 259, C replaced by T.
Protein change: p.His87Tyr; replaces histidine 87 with tyrosine.
Molecular consequence: missense variant. On other transcripts: intron variant (1).
Genome position (GRCh38, 1-based): chr11:19,188,158, G>A on the plus strand (C>T on the coding strand, the complement: CSRP3 is on the minus strand). VCF-style: chr11-19188158-G-A. GRCh37 (hg19) VCF-style: chr11-19209705-G-A.
Other names: c.259C>T, p.His87Tyr (NM_001127656.1); c.113-1810C>T (NM_001369404.1); short protein forms H87Y.
Identifiers: ClinVar variation 1793613 (VCV001793613.4), dbSNP rs982949558, ClinGen allele CA218633561.

ClinVar aggregate classification (germline): Uncertain significance. Review status: criteria provided, multiple submitters, no conflicts (2 of 4 stars). 2 submissions from 2 submitters: Uncertain significance (2). Last evaluated 2025-10-28.

Conditions:
Hypertrophic cardiomyopathy 12. Identifiers: MedGen C2677491, MONDO:0012804, OMIM 612124.
Dilated cardiomyopathy 1M (CMD1M). Identifiers: Orphanet 154, MedGen C1843808, MONDO:0011840, OMIM 607482.
Cardiovascular phenotype. Identifiers: MedGen CN230736.

Allele frequency attached by ClinVar (database versions not stated): gnomAD exomes below 0.00001; TOPMed 0.00001.

Submissions (2):

Labcorp Genetics (formerly Invitae), Labcorp
Classification: Uncertain significance for Hypertrophic cardiomyopathy 12; Dilated cardiomyopathy 1M. Last evaluated: 2025-10-28. Review status: criteria provided, single submitter. Criteria: Invitae Variant Classification Sherloc (09022015). Collection method: clinical testing. Allele origin: germline.
Comment: This sequence change replaces histidine, which is basic and polar, with tyrosine, which is neutral and polar, at codon 87 of the CSRP3 protein (p.His87Tyr). This variant is present in population databases (no rsID available, gnomAD 0.007%). This variant has not been reported in the literature in individuals affected with CSRP3-related conditions. ClinVar contains an entry for this variant (Variation ID: 1793613). An algorithm developed to predict the effect of missense changes on protein structure and function (PolyPhen-2) suggests that this variant is likely to be tolerated. In summary, the available evidence is currently insufficient to determine the role of this variant in disease. Therefore, it has been classified as a Variant of Uncertain Significance.

Ambry Genetics
Classification: Uncertain significance for Cardiovascular phenotype. Last evaluated: 2025-04-23. Review status: criteria provided, single submitter. Criteria: Ambry Variant Classification Scheme 2023. Collection method: clinical testing. Allele origin: germline.
Comment: The p.H87Y variant (also known as c.259C>T), located in coding exon 2 of the CSRP3 gene, results from a C to T substitution at nucleotide position 259. The histidine at codon 87 is replaced by tyrosine, an amino acid with similar properties. This amino acid position is well conserved in available vertebrate species. In addition, the in silico prediction for this alteration is inconclusive. Since supporting evidence is limited at this time, the clinical significance of this alteration remains unclear.